The following is an entry in ClinVar:

NM_005534.4(IFNGR2):c.374C>A (p.Ala125Asp)

Gene: IFNGR2 (interferon gamma receptor 2; plus strand). Cytogenetic location: 21q22.11.
Variant type: single nucleotide variant.
Coding change: c.374C>A on transcript NM_005534.4 (MANE Select); coding-DNA position 374, C replaced by A.
Protein change: p.Ala125Asp; replaces alanine 125 with aspartic acid.
Molecular consequence: missense variant.
Genome position (GRCh38, 1-based): chr21:33,421,647, C>A. VCF-style: chr21-33421647-C-A. GRCh37 (hg19) VCF-style: chr21-34793954-C-A.
Other names: c.431C>A, p.Ala144Asp (NM_001329128.2); short protein forms A125D, A144D.
Identifiers: ClinVar variation 2088738 (VCV002088738.4), dbSNP rs2516937111, ClinGen allele CA410117444.
Genomic context (GRCh38, chr21:33,421,647, plus strand): 5'-TCCCAATGGATTTCAATGTCACTCTACGCCTTCGAGCTGAGCTGGGAGCACTCCATTCTG[C>A]CTGGGTGACAATGCCTTGGTTTCAACACTATCGGAATGGTAAGAGAACTTGAGTATAGAA-3'
Protein context (NP_005525.2, residues 115-135): LRAELGALHS[Ala125Asp]WVTMPWFQHY

ClinVar aggregate classification (germline): Uncertain significance (1 of 4 stars; one submission).

Conditions:
Immunodeficiency 28 (IMD28). Also called: IFNGR2 DEFICIENCY. Identifiers: Orphanet 319547, Orphanet 319574, MedGen C4013947, MONDO:0013953, OMIM 614889.

Submission:

Labcorp Genetics (formerly Invitae), Labcorp
Classification: Uncertain significance for Immunodeficiency 28. Last evaluated: 2022-08-16. Review status: criteria provided, single submitter. Criteria: Invitae Variant Classification Sherloc (09022015). Collection method: clinical testing. Allele origin: germline.
Comment: In summary, the available evidence is currently insufficient to determine the role of this variant in disease. Therefore, it has been classified as a Variant of Uncertain Significance. Algorithms developed to predict the effect of missense changes on protein structure and function output the following: SIFT: "Tolerated"; PolyPhen-2: "Benign"; Align-GVGD: "Class C0". The aspartic acid amino acid residue is found in multiple mammalian species, which suggests that this missense change does not adversely affect protein function. This variant has not been reported in the literature in individuals affected with IFNGR2-related conditions. This variant is not present in population databases (gnomAD no frequency). This sequence change replaces alanine, which is neutral and non-polar, with aspartic acid, which is acidic and polar, at codon 125 of the IFNGR2 protein (p.Ala125Asp).